The following is an entry in ClinVar:

ClinVar aggregate classification (germline): Uncertain significance. Review status: criteria provided, multiple submitters, no conflicts (2 of 4 stars). 2 submissions from 2 submitters: Uncertain significance (2). Last evaluated 2024-05-22.

Conditions:
Leber congenital amaurosis 12 (LCA12). Identifiers: Orphanet 65, MedGen C1857743, MONDO:0012525, OMIM 610612.

Submissions (2):

Blueprint Genetics
Classification: Uncertain significance. Last evaluated: 2024-05-22. Review status: criteria provided, single submitter. Criteria: ACMG Guidelines, 2015. Collection method: clinical testing. Allele origin: germline.

Labcorp Genetics (formerly Invitae), Labcorp
Classification: Uncertain significance for Leber congenital amaurosis 12. Last evaluated: 2022-01-21. Review status: criteria provided, single submitter. Criteria: Invitae Variant Classification Sherloc (09022015). Collection method: clinical testing. Allele origin: germline.
Comment: In summary, the available evidence is currently insufficient to determine the role of this variant in disease. Therefore, it has been classified as a Variant of Uncertain Significance. Algorithms developed to predict the effect of missense changes on protein structure and function (SIFT, PolyPhen-2, Align-GVGD) all suggest that this variant is likely to be tolerated. This variant has not been reported in the literature in individuals affected with RD3-related conditions. This variant is not present in population databases (gnomAD no frequency). This sequence change replaces leucine, which is neutral and non-polar, with glutamine, which is neutral and polar, at codon 144 of the RD3 protein (p.Leu144Gln).

NM_001164688.2(RD3):c.431T>A (p.Leu144Gln)

Gene: RD3 (RD3 regulator of GUCY2D; minus strand). Cytogenetic location: 1q32.3.
Variant type: single nucleotide variant.
Coding change: c.431T>A on transcript NM_001164688.2 (MANE Select); coding-DNA position 431, T replaced by A.
Protein change: p.Leu144Gln; replaces leucine 144 with glutamine.
Molecular consequence: missense variant.
Genome position (GRCh38, 1-based): chr1:211,479,193, A>T on the plus strand (T>A on the coding strand, the complement: RD3 is on the minus strand). VCF-style: chr1-211479193-A-T. GRCh37 (hg19) VCF-style: chr1-211652535-A-T.
Other names: c.431T>A, p.Leu144Gln (NM_183059.3); short protein forms L144Q.
Identifiers: ClinVar variation 1975801 (VCV001975801.6), dbSNP rs2464550340, ClinGen allele CA344878838.